The following is an entry in ClinVar:

ClinVar aggregate classification (germline): Likely benign (1 of 4 stars; one submission).

Conditions:
Cortical dysplasia, complex, with other brain malformations 13. Also called: Intellectual disability, autosomal dominant 13. Identifiers: MedGen C3281202, MONDO:0013805, OMIM 614563.

gnomAD v4.1: 1 of 1,596,470 alleles (0.000063%); highest among the groups gnomAD compares: Non-Finnish European, 0.000085%; no homozygotes.

Submission:

Victorian Clinical Genetics Services, Murdoch Childrens Research Institute
Classification: Likely benign for Cortical dysplasia, complex, with other brain malformations 13. Last evaluated: 2021-05-06. Review status: criteria provided, single submitter. Criteria: ACMG Guidelines, 2015. Collection method: clinical testing. Allele origin: germline. Inheritance: Autosomal dominant inheritance. Affected: yes.
Comment: Based on the classification scheme VCGS_Germline_v1.3.4, this variant is classified as Likely benign. Following criteria are met: 0103 - Loss of function and gain of function are known mechanisms of disease in this gene and are associated with DYNC1H1-related intellectual disability (MIM#614563). Missense variants have been functionally proven to have both a loss- and gain of function effect on protein (PMID: 28196890). (I) 0107 - This gene is associated with autosomal dominant disease. (I) 0200 - Variant is predicted to result in a missense amino acid change from glycine to cysteine. (I) 0251 - This variant is heterozygous. (I) 0301 - Variant is absent from gnomAD (both v2 and v3). (SP) 0309 - An alternative amino acid change at the same position has been observed in gnomAD (v2) (1 heterozygote, 0 homozygotes). (I) 0502 - Missense variant with conflicting in silico predictions and uninformative conservation. (I) 0604 - Variant is not located in an established domain, motif, hotspot or informative constraint region. (I) 0705 - No comparable missense variants have previous evidence for pathogenicity. (I) 0807 - This variant has no previous evidence of pathogenicity. (I) 0905 - No published segregation evidence has been identified for this variant. (I) 1007 - No published functional evidence has been identified for this variant. (I) Legend: (SP) - Supporting pathogenic, (I) - Information, (SB) - Supporting benign

Literature cited by the submitters: PubMed 28196890.

NM_001376.5(DYNC1H1):c.19G>T (p.Gly7Cys)

Gene: DYNC1H1 (dynein cytoplasmic 1 heavy chain 1; plus strand). Cytogenetic location: 14q32.31.
Variant type: single nucleotide variant.
Coding change: c.19G>T on transcript NM_001376.5 (MANE Select); coding-DNA position 19, G replaced by T.
Protein change: p.Gly7Cys; replaces glycine 7 with cysteine.
Molecular consequence: missense variant.
Genome position (GRCh38, 1-based): chr14:101,964,710, G>T. VCF-style: chr14-101964710-G-T. GRCh37 (hg19) VCF-style: chr14-102431047-G-T.
Other names: short protein forms G7C.
Identifiers: ClinVar variation 1805869 (VCV001805869.1), dbSNP rs769682126, ClinGen allele CA391002927.
Genomic context (GRCh38, chr14:101,964,710, plus strand): 5'-GCCGCCTTCTCATCGCTCCTGGAAGGTCCCGAGCGCGACACCATGTCGGAGCCCGGGGGC[G>T]GCGGCGGCGAGGACGGCTCGGCCGGATTGGAAGTGTCGGCCGTGCAGAATGTGGCGGACG-3'
Protein context (NP_001367.2, residues 1-17): MSEPGG[Gly7Cys]GGEDGSAGLE